The following is an entry in ClinVar:

NM_025137.4(SPG11):c.4096G>A (p.Ala1366Thr)

Gene: SPG11 (SPG11 vesicle trafficking associated, spatacsin; minus strand). Cytogenetic location: 15q21.1.
Variant type: single nucleotide variant.
Coding change: c.4096G>A on transcript NM_025137.4 (MANE Select); coding-DNA position 4096, G replaced by A.
Protein change: p.Ala1366Thr; replaces alanine 1366 with threonine.
Molecular consequence: missense variant.
Genome position (GRCh38, 1-based): chr15:44,596,849, C>T on the plus strand (G>A on the coding strand, the complement: SPG11 is on the minus strand). VCF-style: chr15-44596849-C-T. GRCh37 (hg19) VCF-style: chr15-44889047-C-T.
Other names: c.4096G>A, p.Ala1366Thr (NM_001160227.2); short protein forms A1366T.
Identifiers: ClinVar variation 1401733 (VCV001401733.7), dbSNP rs1197681500, ClinGen allele CA392228977.

ClinVar aggregate classification (germline): Uncertain significance (1 of 4 stars; one submission).

Conditions:
Hereditary spastic paraplegia 11. Also called: Nakamura Osame syndrome; Autosomal recessive hereditary spastic paraplegia, mental impairment, and thin corpus callosum; Spastic Paraplegia 11; SPASTIC PARAPLEGIA, AUTOSOMAL RECESSIVE, COMPLICATED, WITH THIN CORPUS CALLOSUM; SPASTIC PARAPLEGIA, AUTOSOMAL RECESSIVE, WITH MENTAL IMPAIRMENT AND THIN CORPUS CALLOSUM; Spastic paraplegia, mental retardation and thin corpus callosum. Identifiers: Orphanet 2822, MedGen C1858479, MONDO:0011445, OMIM 604360.

Allele frequency attached by ClinVar (database versions not stated): gnomAD exomes below 0.00001; TOPMed 0.00001.
gnomAD v4.1: 1 of 1,613,958 alleles (0.000062%); highest among the groups gnomAD compares: African/African-American, 0.0013%; no homozygotes.

Submission:

Labcorp Genetics (formerly Invitae), Labcorp
Classification: Uncertain significance for Hereditary spastic paraplegia 11. Last evaluated: 2022-06-13. Review status: criteria provided, single submitter. Criteria: Invitae Variant Classification Sherloc (09022015). Collection method: clinical testing. Allele origin: germline.
Comment: This variant has not been reported in the literature in individuals affected with SPG11-related conditions. In summary, the available evidence is currently insufficient to determine the role of this variant in disease. Therefore, it has been classified as a Variant of Uncertain Significance. Algorithms developed to predict the effect of missense changes on protein structure and function (SIFT, PolyPhen-2, Align-GVGD) all suggest that this variant is likely to be disruptive. This variant is present in population databases (no rsID available, gnomAD 0.007%). This sequence change replaces alanine, which is neutral and non-polar, with threonine, which is neutral and polar, at codon 1366 of the SPG11 protein (p.Ala1366Thr).